The following is an entry in ClinVar:

ClinVar aggregate classification (germline): Uncertain significance (1 of 4 stars; one submission).

Conditions:
Combined immunodeficiency due to MALT1 deficiency. Also called: Immunodeficiency 12. Identifiers: Orphanet 397964, MedGen C3809583, MONDO:0014197, OMIM 615468.

Allele frequency attached by ClinVar (database versions not stated): gnomAD exomes below 0.00001; TOPMed 0.00001.
gnomAD v4.1: 1 of 1,259,072 alleles (0.000079%); highest among the groups gnomAD compares: Non-Finnish European, 0.0001%; no homozygotes.

Submission:

Labcorp Genetics (formerly Invitae), Labcorp
Classification: Uncertain significance for Combined immunodeficiency due to MALT1 deficiency. Last evaluated: 2025-11-03. Review status: criteria provided, single submitter. Criteria: Invitae Variant Classification Sherloc (09022015). Collection method: clinical testing. Allele origin: germline.
Comment: This sequence change replaces threonine, which is neutral and polar, with methionine, which is neutral and non-polar, at codon 18 of the MALT1 protein (p.Thr18Met). This variant is not present in population databases (gnomAD no frequency). This variant has not been reported in the literature in individuals affected with MALT1-related conditions. ClinVar contains an entry for this variant (Variation ID: 652056). An algorithm developed to predict the effect of missense changes on protein structure and function (PolyPhen-2) suggests that this variant is likely to be tolerated. In summary, the available evidence is currently insufficient to determine the role of this variant in disease. Therefore, it has been classified as a Variant of Uncertain Significance.

NM_006785.4(MALT1):c.53C>T (p.Thr18Met)

Genes: MALT1 (MALT1 paracaspase; plus strand), MALT1-AS1 (MALT1 antisense RNA 1; minus strand), LOC130062586 (ATAC-STARR-seq lymphoblastoid silent region 9487; plus strand). Cytogenetic location: 18q21.32.
Variant type: single nucleotide variant.
Coding change: c.53C>T on transcript NM_006785.4 (MANE Select); coding-DNA position 53, C replaced by T.
Protein change: p.Thr18Met; replaces threonine 18 with methionine.
Molecular consequence: missense variant. On other transcripts: non-coding transcript variant (1).
Genome position (GRCh38, 1-based): chr18:58,671,696, C>T. VCF-style: chr18-58671696-C-T. GRCh37 (hg19) VCF-style: chr18-56338928-C-T.
Other names: c.53C>T, p.Thr18Met (NM_173844.3); short protein forms T18M.
Identifiers: ClinVar variation 652056 (VCV000652056.11), dbSNP rs1602263180, ClinGen allele CA402570659.